The following is an entry in ClinVar:

NM_003000.3(SDHB):c.220G>A (p.Asp74Asn)

Gene: SDHB (succinate dehydrogenase complex iron sulfur subunit B; minus strand). Cytogenetic location: 1p36.13.
Variant type: single nucleotide variant.
Coding change: c.220G>A on transcript NM_003000.3 (MANE Select); coding-DNA position 220, G replaced by A.
Protein change: p.Asp74Asn; replaces aspartic acid 74 with asparagine.
Molecular consequence: missense variant.
Genome position (GRCh38, 1-based): chr1:17,033,126, C>T on the plus strand (G>A on the coding strand, the complement: SDHB is on the minus strand). VCF-style: chr1-17033126-C-T. GRCh37 (hg19) VCF-style: chr1-17359621-C-T.
Other names: short protein forms D74N.
Identifiers: ClinVar variation 664715 (VCV000664715.6), dbSNP rs1570951468, ClinGen allele CA338276606.
Genomic context (GRCh38, chr1:17,033,126, plus strand): 5'-TGCATGATCTTCGGAAGGTCAAAGTAGAGTCAACTTCATTCTTAATCTTGATTAAAGCAT[C>T]CAATACCATGGGGCCACATCTAACAAAGAAAAATATCCAGTGGTATTTATGTAACGTTCA-3'
Protein context (NP_002991.2, residues 64-84): DLNKCGPMVL[Asp74Asn]ALIKIKNEVD

ClinVar aggregate classification (germline): Uncertain significance (1 of 4 stars; one submission).

Conditions:
Pheochromocytoma/paraganglioma syndrome 4. Also called: SDHB-Related Hereditary Paraganglioma-Pheochromocytoma Syndrome (Paragangliomas 4); SDHB-Related Hereditary Paraganglioma-Pheochromocytoma Syndrome; CAROTID BODY TUMORS AND MULTIPLE EXTRAADRENAL PHEOCHROMOCYTOMAS; PARAGANGLIOMA, FAMILIAL MALIGNANT; PARAGANGLIOMAS, HEREDITARY EXTRAADRENAL; PHEOCHROMOCYTOMA, FAMILIAL EXTRAADRENAL. Identifiers: Orphanet 29072, MedGen C1861848, MONDO:0007273, OMIM 115310.
Pheochromocytoma. Also called: MAX-Related Hereditary Paraganglioma-Pheochromocytoma Syndrome. Identifiers: Orphanet 29072, MedGen C0031511, MONDO:0008233, OMIM 171300, HP:0002666.
Gastrointestinal stromal tumor. Also called: Gastrointestinal stromal tumor, somatic; Gastrointestinal stroma tumor. Identifiers: Orphanet 44890, MedGen C0238198, MeSH D046152, MONDO:0011719, OMIM 606764, HP:0100723.

Submission:

Labcorp Genetics (formerly Invitae), Labcorp
Classification: Uncertain significance for Gastrointestinal stromal tumor; Pheochromocytoma/paraganglioma syndrome 4; Pheochromocytoma. Last evaluated: 2018-11-17. Review status: criteria provided, single submitter. Criteria: Invitae Variant Classification Sherloc (09022015). Collection method: clinical testing. Allele origin: germline.
Comment: This sequence change replaces aspartic acid with asparagine at codon 74 of the SDHB protein (p.Asp74Asn). The aspartic acid residue is highly conserved and there is a small physicochemical difference between aspartic acid and asparagine. This variant is not present in population databases (ExAC no frequency). This variant has been observed in an individual with gastrointestinal stromal tumor (GIST) (PMID: 24859990). Algorithms developed to predict the effect of missense changes on protein structure and function are either unavailable or do not agree on the potential impact of this missense change (SIFT: "Deleterious"; PolyPhen-2: "Probably Damaging"; Align-GVGD: "Class C15"). In summary, the available evidence is currently insufficient to determine the role of this variant in disease. Therefore, it has been classified as a Variant of Uncertain Significance.

Literature cited by the submitters: PubMed 24859990.